The following is an entry in ClinVar:

NM_001377.3(DYNC2H1):c.10865G>C (p.Arg3622Pro)

Gene: DYNC2H1 (dynein cytoplasmic 2 heavy chain 1; plus strand). Cytogenetic location: 11q22.3.
Variant type: single nucleotide variant.
Coding change: c.10865G>C on transcript NM_001377.3 (MANE Select); coding-DNA position 10865, G replaced by C.
Protein change: p.Arg3622Pro; replaces arginine 3622 with proline.
Molecular consequence: missense variant.
Genome position (GRCh38, 1-based): chr11:103,283,060, G>C. VCF-style: chr11-103283060-G-C. GRCh37 (hg19) VCF-style: chr11-103153789-G-C.
Other names: c.10886G>C, p.Arg3629Pro (NM_001080463.2); short protein forms R3629P, R3622P.
Identifiers: ClinVar variation 1987917 (VCV001987917.3), dbSNP rs772305401, ClinGen allele CA382256919.

ClinVar aggregate classification (germline): Uncertain significance. Review status: criteria provided, multiple submitters, no conflicts (2 of 4 stars). 2 submissions from 2 submitters: Uncertain significance (2). Last evaluated 2025-04-30.

Conditions:
Jeune thoracic dystrophy. Also called: Jeune syndrome; Infantile thoracic dystrophy; Thoracic pelvic phalangeal dystrophy; Jeune's syndrome; Chondroectodermal dysplasia-like syndrome; Short-rib thoracic dysplasia. Identifiers: Orphanet 474, MedGen C0265275, MONDO:0018770.

Allele frequency attached by ClinVar (database versions not stated): TOPMed below 0.00001; gnomAD 0.00001.
gnomAD v4.1: 9 of 1,607,964 alleles (0.00056%); highest among the groups gnomAD compares: Non-Finnish European, 0.00076%; no homozygotes.

Submissions (2):

Women's Health and Genetics/Laboratory Corporation of America, LabCorp
Classification: Uncertain significance. Last evaluated: 2025-04-30. Review status: criteria provided, single submitter. Criteria: LabCorp Variant Classification Summary - May 2015. Collection method: clinical testing. Allele origin: germline.
Comment: Variant summary: DYNC2H1 c.10886G>C (p.Arg3629Pro) results in a non-conservative amino acid change in the encoded protein sequence. Three of five in-silico tools predict a damaging effect of the variant on protein function. The variant allele was found at a frequency of 4.1e-06 in 246656 control chromosomes. The available data on variant occurrences in the general population are insufficient to allow any conclusion about variant significance. c.10886G>C has been observed in the compound heterozygous state in at least one individual affected with Short-rib thoracic dysplasia (Badiner_2017). These data do not allow any conclusion about variant significance. To our knowledge, no experimental evidence demonstrating an impact on protein function has been reported. The following publication have been ascertained in the context of this evaluation (PMID: 27925158). ClinVar contains an entry for this variant (Variation ID: 1987917). Based on the evidence outlined above, the variant was classified as uncertain significance.

Labcorp Genetics (formerly Invitae), Labcorp
Classification: Uncertain significance for Jeune thoracic dystrophy. Last evaluated: 2022-03-19. Review status: criteria provided, single submitter. Criteria: Invitae Variant Classification Sherloc (09022015). Collection method: clinical testing. Allele origin: germline.
Comment: This sequence change replaces arginine, which is basic and polar, with proline, which is neutral and non-polar, at codon 3629 of the DYNC2H1 protein (p.Arg3629Pro). This variant is present in population databases (no rsID available, gnomAD 0.0009%). This missense change has been observed in individual(s) with short-rib polydactyly syndrome type I (PMID: 27925158). Algorithms developed to predict the effect of missense changes on protein structure and function (SIFT, PolyPhen-2, Align-GVGD) all suggest that this variant is likely to be disruptive. In summary, the available evidence is currently insufficient to determine the role of this variant in disease. Therefore, it has been classified as a Variant of Uncertain Significance.

Literature cited by the submitters: PubMed 27925158 (cited by Women's Health and Genetics/Laboratory Corporation of America, LabCorp and Labcorp Genetics (formerly Invitae), Labcorp).